The following is an entry in ClinVar:

ClinVar aggregate classification (germline): Pathogenic. Review status: reviewed by expert panel (3 of 4 stars). 14 submissions from 14 submitters: Pathogenic (1). 13 of the submissions do not count toward it. Last evaluated 2017-03-17.

Conditions:
CFTR-related disorder (CFTR-RD). Also called: CFTR-related condition; CFTR-related disorders. Identifiers: MedGen C5924204, MONDO:7770004.
Hereditary pancreatitis (PCTT). Also called: PRSS1-Related Hereditary Pancreatitis; Hereditary chronic pancreatitis. Identifiers: Orphanet 676, MedGen C0238339, MONDO:0008185, OMIM 167800.
Bronchiectasis with or without elevated sweat chloride 1 (BESC1). Also called: Cystic Fibrosis-Like Syndrome. Identifiers: Orphanet 60033, MedGen C2749757, MONDO:0008887, OMIM 211400.
Cystic fibrosis (CF). Also called: MUCOVISCIDOSIS. Identifiers: Orphanet 586, MedGen C0010674, MONDO:0009061, OMIM 219700. Disease mechanism: loss of function.

Submissions (14):

CFTR2
Classification: Pathogenic for Cystic fibrosis. Last evaluated: 2017-03-17. Review status: reviewed by expert panel. Criteria: Sosnay PR et al. (Nat Genet 2013). Collection method: research. Allele origin: germline. Affected: yes. Study: CFTR2.

Quest Diagnostics Nichols Institute San Juan Capistrano
Classification: Pathogenic. Last evaluated: 2025-01-30. Review status: criteria provided, single submitter. Criteria: Quest Diagnostics criteria. Collection method: clinical testing. Allele origin: unknown. Not counted in ClinVar's aggregate classification.
Comment: The CFTR c.4251del (p.Glu1418Argfs*14) variant alters the translational reading frame of the CFTR mRNA and causes the premature termination of CFTR protein synthesis. This variant has been reported in the published literature in the homozygous and compound heterozygous states in individuals with cystic fibrosis with typical and atypical presentations (PMIDs: 12919146 (2003), 17407489 (2007), 21449922 (2011), 25583415 (2015), 27086061 (2016), 28546993 (2017), 38003474 (2024), 38038166 (2024)). Functional analyses in cell lines as well as in patient-derived organoids suggest that this variant interferes with normal CFTR protein function (PMIDs: 30444886 (2018), 37833986 (2023)). This variant has not been reported in large, multi-ethnic general populations (Genome Aggregation Database). Based on the available information, this variant is classified as pathogenic.

Blueprint Genetics
Classification: Pathogenic for CFTR-related disorders. Last evaluated: 2024-07-02. Review status: criteria provided, single submitter. Criteria: ACMG Guidelines, 2015. Collection method: clinical testing. Allele origin: germline. Affected: yes. Observed: 1 variant allele. Not counted in ClinVar's aggregate classification.

Labcorp Genetics (formerly Invitae), Labcorp
Classification: Pathogenic for Cystic fibrosis. Last evaluated: 2024-06-17. Review status: criteria provided, single submitter. Criteria: Invitae Variant Classification Sherloc (09022015). Collection method: clinical testing. Allele origin: germline. Not counted in ClinVar's aggregate classification.
Comment: This sequence change creates a premature translational stop signal (p.Glu1418Argfs*14) in the CFTR gene. While this is not anticipated to result in nonsense mediated decay, it is expected to disrupt the last 63 amino acid(s) of the CFTR protein. This variant is not present in population databases (gnomAD no frequency). This premature translational stop signal has been observed in individual(s) with classic symptoms of Cystic Fibrosis (PMID: 7691344, 15638824, 23974870). It has also been observed to segregate with disease in related individuals. ClinVar contains an entry for this variant (Variation ID: 53933). For these reasons, this variant has been classified as Pathogenic.

Natera, Inc.
Classification: Pathogenic for CFTR-related disorders. Last evaluated: 2024-05-28. Review status: criteria provided, single submitter. Criteria: Natera Variant Classification Schema (03/2026). Collection method: clinical testing. Allele origin: germline. Not counted in ClinVar's aggregate classification.
Comment: The c.4251delA variant in CFTR is a frameshift variant predicted to shift the reading frame beginning at codon 1418 and leads to a stop codon 14 codons downstream. This variant is expected to result in nonsense mediated decay, truncation, or a dysfunctional protein product. This variant is rare in the general population with a frequency below the threshold expected for the associated phenotype(s). This variant has been observed in one or more individuals affected with the associated recessive disease, as either homozygous or compound heterozygous with a second variant (PMID: 25688174, 28546993). Given the available evidence, this variant is classified as Pathogenic.

Baylor Genetics
Classification: Pathogenic for Bronchiectasis with or without elevated sweat chloride 1. Last evaluated: 2023-10-17. Review status: criteria provided, single submitter. Criteria: ACMG Guidelines, 2015. Collection method: clinical testing. Allele origin: unknown. Not counted in ClinVar's aggregate classification.

Ambry Genetics
Classification: Pathogenic for Cystic fibrosis. Last evaluated: 2023-08-22. Review status: criteria provided, single submitter. Criteria: Ambry General Variant Classification Scheme_2022. Collection method: clinical testing. Allele origin: germline. Not counted in ClinVar's aggregate classification.
Comment: The c.4251delA pathogenic mutation (also known as 4382delA), located in coding exon 27 of the CFTR gene, results from a deletion of one nucleotide at nucleotide position 4251, causing a translational frameshift with a predicted alternate stop codon (p.E1418Rfs*14). This alteration occurs at the 3' terminus of the CFTR gene, is not expected to trigger nonsense-mediated mRNA decay, and impacts the last 63 amino acids of the protein. However, premature stop codons are typically deleterious in nature and the impacted region is critical for protein function (Ambry internal data). This mutation has been reported in multiple individuals with cystic fibrosis and elevated sweat chloride levels (Claustres M et al. Hum. Mol. Genet., 1993 Aug;2:1209-13; Sosnay PR et al. Nat. Genet., 2013 Oct;45:1160-7. This variant is considered to be rare based on population cohorts in the Genome Aggregation Database (gnomAD). Based on the supporting evidence, this alteration is interpreted as a disease-causing mutation.

Revvity Omics, Revvity
Classification: Pathogenic. Last evaluated: 2022-10-12. Review status: criteria provided, single submitter. Criteria: ACMG Guidelines, 2015. Collection method: clinical testing. Allele origin: germline. Not counted in ClinVar's aggregate classification.

Mendelics
Classification: Pathogenic for Hereditary pancreatitis. Last evaluated: 2022-05-04. Review status: criteria provided, single submitter. Criteria: Mendelics Assertion Criteria 2019. Collection method: clinical testing. Allele origin: germline. Not counted in ClinVar's aggregate classification.

Mayo Clinic Laboratories, Mayo Clinic
Classification: Pathogenic. Last evaluated: 2020-01-20. Review status: criteria provided, single submitter. Criteria: ACMG Guidelines, 2015. Collection method: clinical testing. Allele origin: germline. Observed: 1 variant allele. Not counted in ClinVar's aggregate classification.
Comment: PVS1_strong, PM2, PS3, PM3, PP5

ARUP Laboratories, Molecular Genetics and Genomics, ARUP Laboratories
Classification: Pathogenic. Last evaluated: 2018-10-21. Review status: criteria provided, single submitter. Criteria: ARUP Molecular Germline Variant Investigation Process. Collection method: clinical testing. Allele origin: germline. Not counted in ClinVar's aggregate classification.
Comment: The CFTR c.4251delA; p.Glu1418fs variant (rs397508706), also known as 4382delA, is reported in the literature in multiple individuals affected with cystic fibrosis, including in a compound heterozygous state with a known pathogenic CFTR allele (Castaldo 2005, Claustres 1993, Nahida 2011, Sermet-Gaudelus 2010, Sosnay 2013). This variant is reported as pathogenic by multiple laboratories in ClinVar (Variation ID: 53933), and is absent from general population databases (1000 Genomes Project, Exome Variant Server, and Genome Aggregation Database), indicating it is not a common polymorphism. This variant results in a premature termination codon in the last exon of the CFTR gene. While this may not lead to nonsense-mediated decay, it is expected to create a truncated protein that would include a sequence of 14 amino acid residues not usually present. Based on available information, the p.Glu1418fs variant is considered to be pathogenic. References: Castaldo G et al. Comprehensive cystic fibrosis mutation epidemiology and haplotype characterization in a southern Italian population. Ann Hum Genet. 2005 Jan;69(Pt 1):15-24. Claustres M et al. Analysis of the 27 exons and flanking regions of the cystic fibrosis gene: 40 different mutations account for 91.2% of the mutant alleles in southern France. Hum Mol Genet. 1993 Aug;2(8):1209-13. Nahida el-R et al. Pseudo-Bartter's syndrome revealing cystic fibrosis in an infant caused by 3849 + 1G>A and 4382delA compound heterozygosity. Acta Paediatr. 2011 Nov;100(11):e234-5. Sermet-Gaudelus I et al. Measurement of nasal potential difference in young children with an equivocal sweat test following newborn screening for cystic fibrosis. Thorax. 2010 Jun;65(6):539-44. Sosnay PR Defining the disease liability of variants in the cystic fibrosis transmembrane conductance regulator gene. Nat Genet. 2013 Oct;45(10):1160-7.

CFTR-France
Classification: Pathogenic for cystic fibrosis. Last evaluated: 2018-01-29. Review status: criteria provided, single submitter. Criteria: Claustres M et al. (Hum Mutat 2017). Collection method: curation. Allele origin: germline. Affected: yes. Not counted in ClinVar's aggregate classification.

Eurofins Ntd Llc (ga)
Classification: Pathogenic. Last evaluated: 2017-10-26. Review status: criteria provided, single submitter. Criteria: EGL Classification Definitions 2015. Collection method: clinical testing. Allele origin: germline. Observed: 1 variant allele, 1 heterozygote. Not counted in ClinVar's aggregate classification.

Women's Health and Genetics/Laboratory Corporation of America, LabCorp
Classification: Pathogenic for Cystic fibrosis. Last evaluated: 2017-06-13. Review status: criteria provided, single submitter. Criteria: LabCorp Variant Classification Summary - May 2015. Collection method: clinical testing. Allele origin: germline. Not counted in ClinVar's aggregate classification.
Comment: Variant summary: The CFTR c.4251delA (p.Glu1418Argfs) variant results in a premature termination codon, predicted to cause a truncated or absent CFTR protein due to nonsense mediated decay, which are commonly known mechanisms for disease. Truncations downstream of this position have been classified as pathogenic by our laboratory (e.g. c.4364C>G, p.Ser1455X; c.4426C>T, p.Gln1476X). One in silico tool predicts a damaging outcome for this variant. The variant of interest has not been found in a large, broad control population, ExAC in 120796 control chromosomes. This variant was found in multiple CF patients with mean sweat chloride conc 60mM (Sosnay_Nature Genetics_2013) including in a patient in compound heterozigosity with c.3849+1G>A (not in our internal database) with a presentation characteristic of Pseudo-Bartters syndrome, a rare typical presentation of CF (Nahida_ActaPed_2011). In addition, multiple clinical diagnostic laboratories/reputable databases classified this variant as pathogenic, including CFTR2 where it was reported in 62 patients, with an average of 103 mEq/L sweat chloride, (33% with PI, 40% with Pseudomonas infection). Taken together, this variant is classified as pathogenic.

Literature cited by the submitters: PubMed 21449922 (cited by Quest Diagnostics Nichols Institute San Juan Capistrano); PubMed 28546993 (cited by 3 submitters); PubMed 7689013 (cited by Quest Diagnostics Nichols Institute San Juan Capistrano and Women's Health and Genetics/Laboratory Corporation of America, LabCorp); PubMed 12919146 (cited by Quest Diagnostics Nichols Institute San Juan Capistrano); PubMed 12752573 (cited by Quest Diagnostics Nichols Institute San Juan Capistrano); PubMed 32819855 (cited by Quest Diagnostics Nichols Institute San Juan Capistrano); PubMed 17407489 (cited by Quest Diagnostics Nichols Institute San Juan Capistrano); PubMed 38038166 (cited by Quest Diagnostics Nichols Institute San Juan Capistrano); PubMed 38003474 (cited by Quest Diagnostics Nichols Institute San Juan Capistrano); PubMed 37833986 (cited by Quest Diagnostics Nichols Institute San Juan Capistrano); PubMed 30938940 (cited by Quest Diagnostics Nichols Institute San Juan Capistrano); PubMed 37777263 (cited by Quest Diagnostics Nichols Institute San Juan Capistrano); PubMed 27086061 (cited by Quest Diagnostics Nichols Institute San Juan Capistrano); PubMed 23974870 (cited by 5 submitters); PubMed 7691344 (cited by 4 submitters); PubMed 15638824 (cited by Quest Diagnostics Nichols Institute San Juan Capistrano and Labcorp Genetics (formerly Invitae), Labcorp); PubMed 30444886 (cited by Quest Diagnostics Nichols Institute San Juan Capistrano and Mayo Clinic Laboratories, Mayo Clinic); PubMed 25583415 (cited by Quest Diagnostics Nichols Institute San Juan Capistrano and Women's Health and Genetics/Laboratory Corporation of America, LabCorp); PubMed 25688174 (cited by Quest Diagnostics Nichols Institute San Juan Capistrano and Natera, Inc.); PubMed 2 (cited by Labcorp Genetics (formerly Invitae), Labcorp).

NM_000492.4(CFTR):c.4251del (p.Glu1418fs)

Genes: CFTR (CF transmembrane conductance regulator; plus strand), LOC111674477 (CFTR intron 23 enhancer; plus strand). Cytogenetic location: 7q31.2.
Variant type: Deletion.
Coding change: c.4251del on transcript NM_000492.4 (MANE Select); coding-DNA position 4251, one base deleted (A; older notation c.4251delA).
Protein change: p.Glu1418fs; shifts the reading frame from glutamic acid 1418.
Molecular consequence: frameshift variant.
Genome position (GRCh38, 1-based): chr7:117,666,916, A deleted; the last of 2 consecutive A bases (chr7:117,666,915-117,666,916); deleting either gives the same sequence. VCF-style (leftmost placement, unchanged base first): chr7-117666914-GA-G. GRCh37 (hg19) VCF-style: chr7-117306968-GA-G.
Other names: 4382delA; c.4251delA (NM_000492.3); c.4251del (NM_000492.3); short protein forms E1418fs.
Identifiers: ClinVar variation 53933 (VCV000053933.31), dbSNP rs397508706, ClinGen allele CA328122.